The following is an entry in ClinVar:

ClinVar aggregate classification (germline): Uncertain significance (1 of 4 stars; one submission).

Conditions:
Ehlers-Danlos syndrome, type 4 (EDSVASC). Also called: Ehlers-Danlos Syndrome Type IV; Ehlers-Danlos syndrome vascular type; Ehlers Danlos syndrome, ecchymotic type; Ehlers Danlos syndrome, arterial type; Ehlers Danlos syndrome, Sack-Barabas type. Identifiers: Orphanet 286, MedGen C0268338, MONDO:0017314, OMIM 130050.

Submission:

All of Us Research Program, National Institutes of Health
Classification: Uncertain significance for Ehlers-Danlos syndrome, type 4. Last evaluated: 2023-07-10. Review status: criteria provided, single submitter. Criteria: ACMG Guidelines, 2015. Collection method: clinical testing. Allele origin: germline. Inheritance: Autosomal dominant inheritance. Observed: 1 variant allele, 1 heterozygote.
Comment: This variant causes a C to G nucleotide substitution at the -10 position of intron 49 of the COL3A1 gene. To our knowledge, functional studies have not been reported for this variant. This variant has not been reported in individuals affected with COL3A1-related disorders in the literature. This variant has not been identified in the general population by the Genome Aggregation Database (gnomAD). The available evidence is insufficient to determine the role of this variant in disease conclusively. Therefore, this variant is classified as a Variant of Uncertain Significance.

This study involves interpretation of variants in research participants for the purpose of population health screening. Participant phenotype was not available at the time of variant classification. Additional details can be found in publication PMID: 35346344, PMCID: PMC8962531

NM_000090.4(COL3A1):c.4012-10C>G

Gene: COL3A1 (collagen type III alpha 1 chain; plus strand). Cytogenetic location: 2q32.2.
Variant type: single nucleotide variant.
Coding change: c.4012-10C>G on transcript NM_000090.4 (MANE Select); 10 bases into the intron before coding-DNA position 4012, C replaced by G.
Molecular consequence: intron variant.
Genome position (GRCh38, 1-based): chr2:189,010,638, C>G. VCF-style: chr2-189010638-C-G. GRCh37 (hg19) VCF-style: chr2-189875364-C-G.
Identifiers: ClinVar variation 3072444 (VCV003072444.1), dbSNP rs2469170021, ClinGen allele CA2825001065.
Genomic context (GRCh38, chr2:189,010,638, plus strand): 5'-TACTACATGAATCCCTCGCGTGCAGTTACAACTGAAATGTTTGATCTGTTTTATTTGTTC[C>G]CTATTACAGTTTAGCTACGGCAATCCTGAACTTCCTGAAGATGTCCTTGATGTGCATCTG-3'